The following is an entry in ClinVar:

NM_002299.4(LCT):c.3409C>T (p.Pro1137Ser)

Gene: LCT (lactase; minus strand). Cytogenetic location: 2q21.3.
Variant type: single nucleotide variant.
Coding change: c.3409C>T on transcript NM_002299.4 (MANE Select); coding-DNA position 3409, C replaced by T.
Protein change: p.Pro1137Ser; replaces proline 1137 with serine.
Molecular consequence: missense variant.
Genome position (GRCh38, 1-based): chr2:135,808,938, G>A on the plus strand (C>T on the coding strand, the complement: LCT is on the minus strand). VCF-style: chr2-135808938-G-A. GRCh37 (hg19) VCF-style: chr2-136566508-G-A.
Other names: short protein forms P1137S.
Identifiers: ClinVar variation 2184917 (VCV002184917.1), dbSNP rs763726648, ClinGen allele CA1888065.

ClinVar aggregate classification (germline): Uncertain significance (1 of 4 stars; one submission).

Allele frequency attached by ClinVar (database versions not stated): TOPMed below 0.00001; gnomAD 0.00001; gnomAD exomes 0.00001; ExAC 0.00002.
gnomAD v4.1: 13 of 1,614,080 alleles (0.00081%); highest among the groups gnomAD compares: Middle Eastern, 0.033%; no homozygotes.

Submission:

Labcorp Genetics (formerly Invitae), Labcorp
Classification: Uncertain significance. Last evaluated: 2021-12-22. Review status: criteria provided, single submitter. Criteria: Invitae Variant Classification Sherloc (09022015). Collection method: clinical testing. Allele origin: germline.
Comment: This sequence change replaces proline, which is neutral and non-polar, with serine, which is neutral and polar, at codon 1137 of the LCT protein (p.Pro1137Ser). This variant is present in population databases (rs763726648, gnomAD 0.002%). This variant has not been reported in the literature in individuals affected with LCT-related conditions. Algorithms developed to predict the effect of missense changes on protein structure and function are either unavailable or do not agree on the potential impact of this missense change (SIFT: "Not Available"; PolyPhen-2: "Benign"; Align-GVGD: "Not Available"). In summary, the available evidence is currently insufficient to determine the role of this variant in disease. Therefore, it has been classified as a Variant of Uncertain Significance.